The following is an entry in ClinVar:

NM_003403.5(YY1):c.94_108del (p.Pro32_Ile36del)

Gene: YY1 (YY1 transcription factor; plus strand). Cytogenetic location: 14q32.2.
Variant type: Deletion.
Coding change: c.94_108del on transcript NM_003403.5 (MANE Select); coding-DNA positions 94 to 108, 15 bases deleted (CCGGTGGAGACCATC).
Protein change: p.Pro32_Ile36del.
Genome position (GRCh38, 1-based): chr14:100,239,338-100,239,352, CCGGTGGAGACCATC deleted; deleting any 15 consecutive bases within chr14:100,239,325-100,239,352 gives the same sequence; the c. name uses the placement nearest the transcript's 3' end. VCF-style (leftmost placement, unchanged base first): chr14-100239324-AGGTGGAGACCATCCC-A. GRCh37 (hg19) VCF-style: chr14-100705661-AGGTGGAGACCATCCC-A.
Other names: p.(Pro32_Ile36del).
Identifiers: ClinVar variation 4076508 (VCV004076508.2).

ClinVar aggregate classification (germline): Conflicting classifications of pathogenicity. Review status: criteria provided, conflicting classifications (1 of 4 stars). 2 submissions from 2 submitters: Uncertain significance (1); Likely benign (1). Last evaluated 2025-06-23.

Conditions:
Gabriele de Vries syndrome. Identifiers: Orphanet 506358, MedGen C4479652, MONDO:0044738, OMIM 617557.

Submissions (2):

Medical Genetics Clinic, University of Catania
Classification: Likely benign for Gabriele de Vries syndrome. Last evaluated: 2025-06-23. Review status: criteria provided, single submitter. Criteria: ACMG Guidelines, 2015. Collection method: clinical testing. Allele origin: de novo. Inheritance: Autosomal dominant inheritance. Affected: no.
Comment: The c.94_108del (p.Pro32_Ile36del) variant in the YY1 gene is absent from the general population database gnomAD, is not reported in the literature, involves the deletion of well-conserved amino acids, but maintains the reading frame. In the light of the above the c.94_108del (p.Pro32_Ile36del) variant in the YY1 gene has been classified as likely benign variant.

Blueprint Genetics
Classification: Uncertain significance. Last evaluated: 2024-10-04. Review status: criteria provided, single submitter. Criteria: ACMG Guidelines, 2015. Collection method: clinical testing. Allele origin: germline.